The following is an entry in ClinVar:

ClinVar aggregate classification (germline): Uncertain significance (1 of 4 stars; one submission).

Conditions:
Inborn genetic diseases. Identifiers: MedGen C0950123, MeSH D030342.

Submission:

Ambry Genetics
Classification: Uncertain significance for Inborn genetic diseases. Last evaluated: 2026-07-15. Review status: criteria provided, single submitter. Criteria: Ambry Variant Classification Scheme 2023. Collection method: clinical testing. Allele origin: germline.
Comment: The p.P953H variant (also known as c.2858C>A), located in coding exon 16 of the RECQL4 gene, results from a C to A substitution at nucleotide position 2858. The proline at codon 953 is replaced by histidine, an amino acid with similar properties. This amino acid position is conserved. In addition, this alteration is predicted to be tolerated by in silico analysis. Based on the available evidence, the clinical significance of this variant remains unclear.

NM_004260.4(RECQL4):c.2858C>A (p.Pro953His)

Gene: RECQL4 (RecQ like helicase 4; minus strand). Cytogenetic location: 8q24.3.
Variant type: single nucleotide variant.
Coding change: c.2858C>A on transcript NM_004260.4 (MANE Select); coding-DNA position 2858, C replaced by A.
Protein change: p.Pro953His; replaces proline 953 with histidine.
Molecular consequence: missense variant. On other transcripts: non-coding transcript variant (3).
Genome position (GRCh38, 1-based): chr8:144,512,669, G>T on the plus strand (C>A on the coding strand, the complement: RECQL4 is on the minus strand). VCF-style: chr8-144512669-G-T. GRCh37 (hg19) VCF-style: chr8-145738052-G-T.
Other names: c.1721C>A, p.Pro574His (NM_001413032.1, NM_001413027.1, NM_001413030.1); c.2726C>A, p.Pro909His (NM_001413033.1); c.2564C>A, p.Pro855His (NM_001413017.1); c.2660C>A, p.Pro887His (NM_001413018.1); c.2933C>A, p.Pro978His (NM_001413019.1); c.2762C>A, p.Pro921His (NM_001413020.1); c.1787C>A, p.Pro596His (NM_001413021.1, NM_001413022.1, NM_001413024.1 and 4 more transcripts); c.1862C>A, p.Pro621His (NM_001413023.1); and 9 more; short protein forms P621H, P855H, P596H, P836H, P978H, P552H, P586H, P909H.
Identifiers: ClinVar variation 5028085 (VCV005028085.1).
Genomic context (GRCh38, chr8:144,512,669, plus strand): 5'-AACCTCGTCTCCAACTGGGCAGGGCGTGCTTACCTGTGGGCCAGGGCCTGGAGCTGGGCA[G>T]GGCCCCCAGGGCAGTTCAGACGGCAATGGGTATAGGTGGTCGCCAGCAGCTCCAGCCAGT-3'
Protein context (NP_004251.4, residues 943-963): THCRLNCPGG[Pro953His]AQLQALAHRC